The following is an entry in ClinVar:

NM_015021.3(ZNF292):c.4726C>A (p.Leu1576Ile)

Gene: ZNF292 (zinc finger protein 292; plus strand). Cytogenetic location: 6q14.3.
Variant type: single nucleotide variant.
Coding change: c.4726C>A on transcript NM_015021.3 (MANE Select); coding-DNA position 4726, C replaced by A.
Protein change: p.Leu1576Ile; replaces leucine 1576 with isoleucine.
Molecular consequence: missense variant.
Genome position (GRCh38, 1-based): chr6:87,258,355, C>A. VCF-style: chr6-87258355-C-A. GRCh37 (hg19) VCF-style: chr6-87968073-C-A.
Other names: c.4306C>A, p.Leu1436Ile (NM_001351444.2); short protein forms L1436I, L1576I.
Identifiers: ClinVar variation 3233950 (VCV003233950.2), dbSNP rs752249653, ClinGen allele CA3914357.

ClinVar aggregate classification (germline): Uncertain significance (1 of 4 stars; one submission).

Allele frequency attached by ClinVar (database versions not stated): gnomAD 0.00001; TOPMed 0.00001; gnomAD exomes 0.00002; ExAC 0.00003.
gnomAD v4.1: 36 of 1,613,536 alleles (0.0022%); highest among the groups gnomAD compares: South Asian, 0.022%; no homozygotes.

Submission:

Women's Health and Genetics/Laboratory Corporation of America, LabCorp
Classification: Uncertain significance. Last evaluated: 2024-03-14. Review status: criteria provided, single submitter. Criteria: LabCorp Variant Classification Summary - May 2015. Collection method: clinical testing. Allele origin: germline.
Comment: Variant summary: ZNF292 c.4726C>A (p.Leu1576Ile) results in a conservative amino acid change in the encoded protein sequence. Four of five in-silico tools predict a benign effect of the variant on protein function. The variant allele was found at a frequency of 2.8e-05 in 248390 control chromosomes. The available data on variant occurrences in the general population are insufficient to allow any conclusion about variant significance. To our knowledge, no occurrence of c.4726C>A in individuals affected with Autosomal Dominant Intellectual Developmental Disorder 64 and no experimental evidence demonstrating its impact on protein function have been reported. No submitters have cited clinical-significance assessments for this variant to ClinVar. Based on the evidence outlined above, the variant was classified as uncertain significance.